The following is an entry in ClinVar:

NM_000069.3(CACNA1S):c.3795+4C>T

Gene: CACNA1S (calcium voltage-gated channel subunit alpha1 S; minus strand). Cytogenetic location: 1q32.1.
Variant type: single nucleotide variant.
Coding change: c.3795+4C>T on transcript NM_000069.3 (MANE Select); 4 bases into the intron after coding-DNA position 3795, C replaced by T.
Molecular consequence: intron variant.
Genome position (GRCh38, 1-based): chr1:201,053,455, G>A on the plus strand (C>T on the coding strand, the complement: CACNA1S is on the minus strand). VCF-style: chr1-201053455-G-A. GRCh37 (hg19) VCF-style: chr1-201022583-G-A.
Identifiers: ClinVar variation 2929132 (VCV002929132.4), dbSNP rs1660728123, ClinGen allele CA1219575418.
Genomic context (GRCh38, chr1:201,053,455, plus strand): 5'-GGCTGAGGCAGATGTCCCTAGTGGCCTCCCCAGGTACGTGCAGTTTCCAGGGTCCCTGTT[G>A]CACCTGGAAGGACTTGATGAACGTCCACAGGAGGGTTCGCACTCCTTCTGCCCGGCTCAG-3'

ClinVar aggregate classification (germline): Uncertain significance. Review status: criteria provided, multiple submitters, no conflicts (2 of 4 stars). 2 submissions from 2 submitters: Uncertain significance (2). Last evaluated 2024-07-29.

Conditions:
Malignant hyperthermia, susceptibility to, 5 (MHS5). Also called: CACNA1S-Related Malignant Hyperthermia Susceptibility. Identifiers: Orphanet 423, MedGen C1866077, MONDO:0011163, OMIM 601887.
Hypokalemic periodic paralysis, type 1. Also called: Hypokalemic Periodic Paralysis Type 1 (AD); HypoPP. Identifiers: Orphanet 681, MedGen C3714580, MONDO:0042979, OMIM 170400.

gnomAD v4.1: 5 of 1,614,156 alleles (0.00031%); highest among the groups gnomAD compares: Non-Finnish European, 0.00042%; no homozygotes.

Submissions (2):

All of Us Research Program, National Institutes of Health
Classification: Uncertain significance for Malignant hyperthermia, susceptibility to, 5. Last evaluated: 2024-07-29. Review status: criteria provided, single submitter. Criteria: ACMG Guidelines, 2015. Collection method: clinical testing. Allele origin: germline. Inheritance: Autosomal dominant inheritance. Observed: 1 variant allele, 1 heterozygote.
Comment: This variant causes a C to T nucleotide substitution at the +4 position of intron 30 of the CACNA1S gene. To our knowledge, functional studies have not been reported for this variant. This variant has not been reported in individuals affected with CACNA1S-related disorders in the literature. This variant has not been identified in the general population by the Genome Aggregation Database (gnomAD). The available evidence is insufficient to determine the role of this variant in disease conclusively. Therefore, this variant is classified as a Variant of Uncertain Significance.

This study involves interpretation of variants in research participants for the purpose of population health screening. Participant phenotype was not available at the time of variant classification. Additional details can be found in publication PMID: 35346344, PMCID: PMC8962531

Labcorp Genetics (formerly Invitae), Labcorp
Classification: Uncertain significance for Hypokalemic periodic paralysis, type 1; Malignant hyperthermia, susceptibility to, 5. Last evaluated: 2023-10-14. Review status: criteria provided, single submitter. Criteria: Invitae Variant Classification Sherloc (09022015). Collection method: clinical testing. Allele origin: germline.
Comment: This sequence change falls in intron 30 of the CACNA1S gene. It does not directly change the encoded amino acid sequence of the CACNA1S protein. It affects a nucleotide within the consensus splice site. This variant is not present in population databases (gnomAD no frequency). This variant has not been reported in the literature in individuals affected with CACNA1S-related conditions. Variants that disrupt the consensus splice site are a relatively common cause of aberrant splicing (PMID: 17576681, 9536098). Algorithms developed to predict the effect of sequence changes on RNA splicing suggest that this variant may create or strengthen a splice site. In summary, the available evidence is currently insufficient to determine the role of this variant in disease. Therefore, it has been classified as a Variant of Uncertain Significance.

Literature cited by the submitters: PubMed 17576681 (cited by Labcorp Genetics (formerly Invitae), Labcorp); PubMed 9536098 (cited by Labcorp Genetics (formerly Invitae), Labcorp).